The following is an entry in ClinVar:

NM_001903.5(CTNNA1):c.1965C>T (p.Ser655=)

Gene: CTNNA1 (catenin alpha 1; plus strand). Cytogenetic location: 5q31.2.
Variant type: single nucleotide variant.
Coding change: c.1965C>T on transcript NM_001903.5 (MANE Select); coding-DNA position 1965, C replaced by T.
Protein change: p.Ser655=; no amino-acid change (serine 655 retained).
Molecular consequence: synonymous variant.
Genome position (GRCh38, 1-based): chr5:138,929,311, C>T. VCF-style: chr5-138929311-C-T. GRCh37 (hg19) VCF-style: chr5-138265000-C-T.
Other names: c.1965C>T, p.Ser655= (NM_001290307.3, NM_001323982.2, NM_001323983.1 and 2 more transcripts); c.1656C>T, p.Ser552= (NM_001290309.3); c.1596C>T, p.Ser532= (NM_001290310.3); c.855C>T, p.Ser285= (NM_001290312.1, NM_001323987.1, NM_001323988.1 and 17 more transcripts); c.1872C>T, p.Ser624= (NM_001323986.2); c.516C>T, p.Ser172= (NM_001324006.1, NM_001324007.1, NM_001324008.1 and 2 more transcripts); c.762C>T, p.Ser254= (NM_001324011.1); c.612C>T, p.Ser204= (NM_001324012.1, NM_001324013.1).
Identifiers: ClinVar variation 695356 (VCV000695356.30), dbSNP rs760486358, ClinGen allele CA3432076.

ClinVar aggregate classification (germline): Benign/Likely benign. Review status: criteria provided, multiple submitters, no conflicts (2 of 4 stars). 6 submissions from 6 submitters: Benign (1); Likely benign (5). Last evaluated 2025-12-30.

Conditions:
Patterned macular dystrophy 2. Identifiers: Orphanet 99001, MedGen C1837029, MONDO:0012162, OMIM 608970.
Hereditary cancer-predisposing syndrome. Also called: Neoplastic Syndromes, Hereditary; Tumor predisposition; Hereditary neoplastic syndrome; Hereditary Cancer Syndrome. Identifiers: Orphanet 140162, MedGen C0027672, MeSH D009386, MONDO:0015356.
Hereditary diffuse gastric adenocarcinoma (HDGC). Also called: DIFFUSE GASTRIC AND LOBULAR BREAST CANCER SYNDROME. Identifiers: Orphanet 26106, MedGen C1708349, MONDO:0007648, OMIM 137215.

Allele frequency attached by ClinVar (database versions not stated): gnomAD 0.00001; TOPMed 0.00003; gnomAD exomes 0.00005 and 0.00006; ExAC 0.00008.
gnomAD v4.1: 80 of 1,611,732 alleles (0.005%); highest among the groups gnomAD compares: South Asian, 0.034%; no homozygotes.

Submissions (6):

Labcorp Genetics (formerly Invitae), Labcorp
Classification: Likely benign. Last evaluated: 2025-12-30. Review status: criteria provided, single submitter. Criteria: Invitae Variant Classification Sherloc (09022015). Collection method: clinical testing. Allele origin: germline.

CeGaT Center for Human Genetics Tuebingen
Classification: Likely benign. Last evaluated: 2025-02-01. Review status: criteria provided, single submitter. Criteria: CeGaT Center For Human Genetics Tuebingen Variant Classification Criteria Version 2. Collection method: clinical testing. Allele origin: germline. Affected: yes. Observed: 1 variant allele.
Comment: CTNNA1: BP4, BP7

Myriad Genetics, Inc.
Classification: Benign for Hereditary diffuse gastric adenocarcinoma. Last evaluated: 2024-10-14. Review status: criteria provided, single submitter. Criteria: Myriad Autosomal Dominant, Autosomal Recessive and X-Linked Classification Criteria (2023). Collection method: clinical testing. Allele origin: unknown.
Comment: This variant is considered benign. This variant is a silent/synonymous amino acid change and it is not expected to impact splicing.

Blueprint Genetics
Classification: Likely benign. Last evaluated: 2024-08-16. Review status: criteria provided, single submitter. Criteria: ACMG Guidelines, 2015. Collection method: clinical testing. Allele origin: germline.

ARUP Laboratories, Molecular Genetics and Genomics, ARUP Laboratories
Classification: Likely benign for Patterned macular dystrophy 2. Last evaluated: 2023-03-20. Review status: criteria provided, single submitter. Criteria: ARUP Molecular Germline Variant Investigation Process 2024. Collection method: clinical testing. Allele origin: germline.

Ambry Genetics
Classification: Likely benign for Hereditary cancer-predisposing syndrome. Last evaluated: 2019-05-20. Review status: criteria provided, single submitter. Criteria: Ambry Variant Classification Scheme 2023. Collection method: clinical testing. Allele origin: germline.